The following is an entry in ClinVar:

ClinVar aggregate classification (germline): Uncertain significance (1 of 4 stars; one submission).

Submission:

CeGaT Center for Human Genetics Tuebingen
Classification: Uncertain significance. Last evaluated: 2023-11-01. Review status: criteria provided, single submitter. Criteria: CeGaT Center For Human Genetics Tuebingen Variant Classification Criteria Version 2. Collection method: clinical testing. Allele origin: germline. Affected: yes. Observed: 1 variant allele.
Comment: TBP: PM2, BP4

NM_003194.5(TBP):c.677+6C>G

Gene: TBP (TATA-box binding protein; plus strand). Cytogenetic location: 6q27.
Variant type: single nucleotide variant.
Coding change: c.677+6C>G on transcript NM_003194.5 (MANE Select); 6 bases into the intron after coding-DNA position 677, C replaced by G.
Molecular consequence: intron variant.
Genome position (GRCh38, 1-based): chr6:170,567,015, C>G. VCF-style: chr6-170567015-C-G. GRCh37 (hg19) VCF-style: chr6-170876103-C-G.
Other names: c.617+6C>G (NM_001172085.2).
Identifiers: ClinVar variation 2673092 (VCV002673092.23), dbSNP rs761268467, ClinGen allele CA2695198392.